The following is an entry in ClinVar:

ClinVar aggregate classification (germline): Likely benign (1 of 4 stars; one submission).

gnomAD v4.1: 9,151 of 1,613,246 alleles (0.57%); highest among the groups gnomAD compares: Non-Finnish European, 0.58%; 53 homozygotes.

Submission:

CeGaT Center for Human Genetics Tuebingen
Classification: Likely benign. Last evaluated: 2025-10-01. Review status: criteria provided, single submitter. Criteria: CeGaT Center For Human Genetics Tuebingen Variant Classification Criteria Version 2. Collection method: clinical testing. Allele origin: germline. Affected: yes. Observed: 4 variant alleles.
Comment: CFAP69: BP4, BP7, BS2

NM_001039706.3(CFAP69):c.1261C>T (p.Leu421=)

Gene: CFAP69 (cilia and flagella associated protein 69; plus strand). Cytogenetic location: 7q21.13.
Variant type: single nucleotide variant.
Coding change: c.1261C>T on transcript NM_001039706.3 (MANE Select); coding-DNA position 1261, C replaced by T.
Protein change: p.Leu421=; no amino-acid change (leucine 421 retained).
Molecular consequence: synonymous variant.
Genome position (GRCh38, 1-based): chr7:90,279,782, C>T. VCF-style: chr7-90279782-C-T. GRCh37 (hg19) VCF-style: chr7-89909096-C-T.
Other names: c.1207C>T, p.Leu403= (NM_001160138.2); c.1261C>T, p.Leu421= (NM_001363438.1).
Identifiers: ClinVar variation 3387981 (VCV003387981.14).